The following is an entry in ClinVar:

NM_182961.4(SYNE1):c.3319_3320delinsAT (p.Glu1107Met)

Gene: SYNE1 (spectrin repeat containing nuclear envelope protein 1; minus strand). Cytogenetic location: 6q25.2.
Variant type: Indel.
Coding change: c.3319_3320delinsAT on transcript NM_182961.4 (MANE Select); coding-DNA positions 3319 to 3320, GA replaced by AT.
Protein change: p.Glu1107Met; replaces glutamic acid 1107 with methionine.
Molecular consequence: missense variant.
Genome position (GRCh38, 1-based): chr6:152,450,700-152,450,701, TC replaced by AT on the plus strand (GA replaced by AT on the coding strand, the reverse complement: SYNE1 is on the minus strand). VCF-style: chr6-152450700-TC-AT. GRCh37 (hg19) VCF-style: chr6-152771835-TC-AT.
Other names: c.3340_3341delinsAT, p.Glu1114Met (NM_033071.5); short protein forms E1107M, E1114M.
Identifiers: ClinVar variation 2064709 (VCV002064709.4), dbSNP rs2501559734, ClinGen allele CA2580075291.

ClinVar aggregate classification (germline): Uncertain significance (1 of 4 stars; one submission).

Conditions:
Emery-Dreifuss muscular dystrophy 4, autosomal dominant (EDMD4). Also called: EMERY-DREIFUSS MUSCULAR DYSTROPHY 4 WITH VARIABLE FEATURES. Identifiers: Orphanet 261, MedGen C2751807, MONDO:0013071, OMIM 612998.
Autosomal recessive ataxia, Beauce type. Also called: SYNE1 Deficiency; Spinocerebellar ataxia, autosomal recessive 8; ATAXIA, RECESSIVE, OF BEAUCE; SYNE1-Related Autosomal Recessive Cerebellar Ataxia. Identifiers: Orphanet 88644, MedGen C1853116, MONDO:0012549, OMIM 610743.

Submission:

Labcorp Genetics (formerly Invitae), Labcorp
Classification: Uncertain significance for Emery-Dreifuss muscular dystrophy 4, autosomal dominant; Autosomal recessive ataxia, Beauce type. Last evaluated: 2024-03-11. Review status: criteria provided, single submitter. Criteria: Invitae Variant Classification Sherloc (09022015). Collection method: clinical testing. Allele origin: germline.
Comment: This sequence change replaces glutamic acid, which is acidic and polar, with methionine, which is neutral and non-polar, at codon 1114 of the SYNE1 protein (p.Glu1114Met). Information on the frequency of this variant in the gnomAD database is not available, as this variant may be reported differently in the database. This variant has not been reported in the literature in individuals affected with SYNE1-related conditions. ClinVar contains an entry for this variant (Variation ID: 2064709). An algorithm developed to predict the effect of missense changes on protein structure and function (PolyPhen-2) suggests that this variant is likely to be disruptive. In summary, the available evidence is currently insufficient to determine the role of this variant in disease. Therefore, it has been classified as a Variant of Uncertain Significance.